The following is an entry in ClinVar:

NM_024675.4(PALB2):c.1861C>T (p.Pro621Ser)

Gene: PALB2 (partner and localizer of BRCA2; minus strand). Cytogenetic location: 16p12.2.
Variant type: single nucleotide variant.
Coding change: c.1861C>T on transcript NM_024675.4 (MANE Select); coding-DNA position 1861, C replaced by T.
Protein change: p.Pro621Ser; replaces proline 621 with serine.
Molecular consequence: missense variant.
Genome position (GRCh38, 1-based): chr16:23,630,293, G>A on the plus strand (C>T on the coding strand, the complement: PALB2 is on the minus strand). VCF-style: chr16-23630293-G-A. GRCh37 (hg19) VCF-style: chr16-23641614-G-A.
Other names: short protein forms P621S.
Identifiers: ClinVar variation 1346049 (VCV001346049.10), dbSNP rs756116550, ClinGen allele CA395127734.
Genomic context (GRCh38, chr16:23,630,293, plus strand): 5'-TTGACTCAAAGGGCTCCACTGGTTTTTCTGAGCAGGACTTCACTTTTTCAAGCTTAAGAG[G>A]TCCAAAGTCTTCATCAGGTAACTGAAAGTCTGTGATACTGAGAAAAGACAGTAGTTGCTT-3'
Protein context (NP_078951.2, residues 611-631): DFQLPDEDFG[Pro621Ser]LKLEKVKSCS

ClinVar aggregate classification (germline): Uncertain significance. Review status: criteria provided, multiple submitters, no conflicts (2 of 4 stars). 3 submissions from 3 submitters: Uncertain significance (3). Last evaluated 2025-06-24.

Conditions:
Hereditary cancer-predisposing syndrome. Also called: Hereditary neoplastic syndrome; Tumor predisposition; Neoplastic Syndromes, Hereditary; Hereditary Cancer Syndrome. Identifiers: Orphanet 140162, MedGen C0027672, MeSH D009386, MONDO:0015356.
Familial cancer of breast. Also called: hereditary breast carcinoma; Hereditary breast cancer; BREAST CANCER, FAMILIAL. Identifiers: Orphanet 227535, MedGen C0346153, MONDO:0016419, OMIM 114480. Disease mechanism: loss of function.

Submissions (3):

Labcorp Genetics (formerly Invitae), Labcorp
Classification: Uncertain significance for Familial cancer of breast. Last evaluated: 2025-06-24. Review status: criteria provided, single submitter. Criteria: Invitae Variant Classification Sherloc (09022015). Collection method: clinical testing. Allele origin: germline.
Comment: This sequence change replaces proline, which is neutral and non-polar, with serine, which is neutral and polar, at codon 621 of the PALB2 protein (p.Pro621Ser). This variant is not present in population databases (gnomAD no frequency). This variant has not been reported in the literature in individuals affected with PALB2-related conditions. ClinVar contains an entry for this variant (Variation ID: 1346049). Invitae Evidence Modeling of protein sequence and biophysical properties (such as structural, functional, and spatial information, amino acid conservation, physicochemical variation, residue mobility, and thermodynamic stability) indicates that this missense variant is not expected to disrupt PALB2 protein function with a negative predictive value of 80%. In summary, the available evidence is currently insufficient to determine the role of this variant in disease. Therefore, it has been classified as a Variant of Uncertain Significance.

Ambry Genetics
Classification: Uncertain significance for Hereditary cancer-predisposing syndrome. Last evaluated: 2024-10-13. Review status: criteria provided, single submitter. Criteria: Ambry Variant Classification Scheme 2023. Collection method: clinical testing. Allele origin: germline.
Comment: The p.P621S variant (also known as c.1861C>T), located in coding exon 5 of the PALB2 gene, results from a C to T substitution at nucleotide position 1861. The proline at codon 621 is replaced by serine, an amino acid with similar properties. This amino acid position is conserved. In addition, this alteration is predicted to be tolerated by in silico analysis. Since supporting evidence is limited at this time, the clinical significance of this alteration remains unclear.

GeneDx
Classification: Uncertain significance. Last evaluated: 2022-12-06. Review status: criteria provided, single submitter. Criteria: GeneDx Variant Classification Process June 2021. Collection method: clinical testing. Allele origin: germline. Affected: yes.
Comment: Not observed at significant frequency in large population cohorts (gnomAD); In silico analysis supports that this missense variant does not alter protein structure/function; Has not been previously published as pathogenic or benign to our knowledge; This variant is associated with the following publications: (PMID: 22941656)